The following is an entry in ClinVar:

ClinVar aggregate classification (germline): Likely pathogenic. Review status: criteria provided, multiple submitters, no conflicts (2 of 4 stars). 2 submissions from 2 submitters: Likely pathogenic (2). Last evaluated 2025-12-19.

Conditions:
Familial cancer of breast. Also called: BREAST CANCER, FAMILIAL; hereditary breast carcinoma; Hereditary breast cancer. Identifiers: Orphanet 227535, MedGen C0346153, MONDO:0016419, OMIM 114480. Disease mechanism: loss of function.
Ataxia-telangiectasia syndrome (AT). Also called: Ataxia-telangiectasia; AT, COMPLEMENTATION GROUP C; ATAXIA-TELANGIECTASIA, FRESNO VARIANT; Ataxia-telangiectasia, complementation group D; Ataxia-telangiectasia, complementation group E; LOUIS-BAR SYNDROME. Identifiers: Orphanet 100, MedGen C0004135, MONDO:0008840, OMIM 208900.

Allele frequency attached by ClinVar (database versions not stated): gnomAD exomes below 0.00001.
gnomAD v4.1: 1 of 1,607,250 alleles (0.000062%); highest among the groups gnomAD compares: Non-Finnish European, 0.000085%; no homozygotes.

Submissions (2):

Labcorp Genetics (formerly Invitae), Labcorp
Classification: Likely pathogenic for Ataxia-telangiectasia syndrome. Last evaluated: 2025-12-19. Review status: criteria provided, single submitter. Criteria: Invitae Variant Classification Sherloc (09022015). Collection method: clinical testing. Allele origin: germline.
Comment: This sequence change affects a donor splice site in intron 16 of the ATM gene. RNA analysis indicates that disruption of this splice site induces altered splicing and likely results in a shortened protein product. This variant is not present in population databases (gnomAD no frequency). Disruption of this splice site has been observed in individual(s) with clinical features of ataxia-telangiectasia (PMID: 10330348; internal data). ClinVar contains an entry for this variant (Variation ID: 2028063). Studies have shown that disruption of this splice site results in skipping of exon 16 , but is expected to preserve the integrity of the reading-frame (PMID: 10330348; internal data). In summary, the currently available evidence indicates that the variant is pathogenic, but additional data are needed to prove that conclusively. Therefore, this variant has been classified as Likely Pathogenic.

Myriad Genetics, Inc.
Classification: Likely pathogenic for Familial cancer of breast. Last evaluated: 2024-02-22. Review status: criteria provided, single submitter. Criteria: Myriad Autosomal Dominant, Autosomal Recessive and X-Linked Classification Criteria (2023). Collection method: clinical testing. Allele origin: unknown.
Comment: This variant is considered likely pathogenic. This variant occurs within a consensus splice junction and is predicted to result in abnormal mRNA splicing of either an out-of-frame exon or an in-frame exon necessary for protein stability and/or normal function.

Literature cited by the submitters: PubMed 10330348 (cited by Labcorp Genetics (formerly Invitae), Labcorp).

NM_000051.4(ATM):c.2466+2T>C

Gene: ATM (ATM serine/threonine kinase; plus strand). Cytogenetic location: 11q22.3.
Variant type: single nucleotide variant.
Coding change: c.2466+2T>C on transcript NM_000051.4 (MANE Select); the canonical splice donor site of the intron after coding-DNA position 2466, T replaced by C.
Molecular consequence: splice donor variant.
Genome position (GRCh38, 1-based): chr11:108,259,077, T>C. VCF-style: chr11-108259077-T-C. GRCh37 (hg19) VCF-style: chr11-108129804-T-C.
Other names: c.2466+2T>C (NM_001351834.2).
Identifiers: ClinVar variation 2028063 (VCV002028063.5), dbSNP rs878853495, ClinGen allele CA382541435.